The following is an entry in ClinVar:

ClinVar aggregate classification (germline): Uncertain significance (1 of 4 stars; one submission).

Conditions:
Oligodontia-cancer predisposition syndrome. Also called: TOOTH AGENESIS-COLORECTAL CANCER SYNDROME. Identifiers: Orphanet 300576, MedGen C1837750, MONDO:0012075, OMIM 608615. Disease mechanism: loss of function.

Submission:

Labcorp Genetics (formerly Invitae), Labcorp
Classification: Uncertain significance for Oligodontia-cancer predisposition syndrome. Last evaluated: 2021-07-29. Review status: criteria provided, single submitter. Criteria: Invitae Variant Classification Sherloc (09022015). Collection method: clinical testing. Allele origin: germline.
Comment: This sequence change creates a premature translational stop signal (p.Ser626Argfs*64) in the AXIN2 gene. However, it is currently unclear if variants that occur in this region of the gene cause disease. This variant is not present in population databases (ExAC no frequency). This variant has not been reported in the literature in individuals affected with AXIN2-related conditions. In summary, the available evidence is currently insufficient to determine the role of this variant in disease. Therefore, it has been classified as a Variant of Uncertain Significance. Tissue-specific transcript isoforms that skip in-frame exon 7 (also known as exon 6 in the literature) have been described (PMID: 15735151), questioning the clinical significance of deleting this exon through alternative splicing and/or whole exon deletion. Although loss-of-function variants in AXIN2 are known to be pathogenic (PMID: 21416598, 15042511), the clinical significance of truncating (nonsense, frameshift) variants within exon 7 are uncertain.

Literature cited by the submitters: PubMed 15735151; PubMed 21416598; PubMed 15042511.

NM_004655.4(AXIN2):c.1874_1875insAA (p.Ser626fs)

Gene: AXIN2 (axin 2; minus strand). Cytogenetic location: 17q24.1.
Variant type: Insertion.
Coding change: c.1874_1875insAA on transcript NM_004655.4 (MANE Select); coding-DNA positions 1874 to 1875, AA inserted.
Protein change: p.Ser626fs; shifts the reading frame from serine 626.
Molecular consequence: frameshift variant. On other transcripts: intron variant (1).
Genome position: GRCh38 VCF-style: chr17-65536901-C-CTT. GRCh37 (hg19) VCF-style: chr17-63533019-C-CTT.
Other names: c.1713-349_1713-348insAA (NM_001363813.1); short protein forms S626fs.
Identifiers: ClinVar variation 1370826 (VCV001370826.8), dbSNP rs2144448727, ClinGen allele CA2573154730.